The following is an entry in ClinVar:

ClinVar aggregate classification (germline): Pathogenic. Review status: criteria provided, multiple submitters, no conflicts (2 of 4 stars). 3 submissions from 3 submitters: Pathogenic (3). Last evaluated 2026-04-14.

Conditions:
Benign recurrent intrahepatic cholestasis type 1. Also called: SUMMERSKILL SYNDROME; Mild-to-Moderate ATP8B1 Deficiency (Benign Recurrent Intrahepatic Cholestasis 1 [BRIC1]). Identifiers: Orphanet 65682, Orphanet 99960, MedGen C4551899, MONDO:0009469, OMIM 243300.
Familial intrahepatic cholestasis. Identifiers: Orphanet 284385, MedGen CN296401, MONDO:0017290.
Progressive familial intrahepatic cholestasis (PFIC). Also called: Progressive family intrahepatic cholestasis; Progressive intrahepatic cholestasis. Identifiers: Orphanet 172, MedGen C0268312, MONDO:0015762.

Allele frequency attached by ClinVar (database versions not stated): gnomAD exomes below 0.00001; ExAC 0.00001; gnomAD 0.00001; TOPMed 0.00001.

Submissions (3):

Genomenon, Inc
Classification: Pathogenic for Familial intrahepatic cholestasis. Last evaluated: 2026-04-14. Review status: criteria provided, single submitter. Criteria: Genomenon Sequence Variant Interpretation Standards - Updated. Collection method: curation. Allele origin: germline. Affected: yes.
Comment: ATP8B1 p.Cys948Ter (c.2844del) is a nonsense variant that introduces a premature stop codon at amino acid position 948, creating a truncated protein that is predicted to undergo nonsense-mediated mRNA decay. This variant has been observed in at least one proband with features of ATP8B1-deficiency (PMID:33666275). It is absent or not present at a significant frequency in gnomAD. In conclusion, we classify ATP8B1 p.Cys948Ter (c.2844del) as a pathogenic variant.

Baylor Genetics
Classification: Pathogenic for Benign recurrent intrahepatic cholestasis type 1. Last evaluated: 2023-10-16. Review status: criteria provided, single submitter. Criteria: ACMG Guidelines, 2015. Collection method: clinical testing. Allele origin: unknown.

Women's Health and Genetics/Laboratory Corporation of America, LabCorp
Classification: Pathogenic for Progressive familial intrahepatic cholestasis. Last evaluated: 2023-09-05. Review status: criteria provided, single submitter. Criteria: LabCorp Variant Classification Summary - May 2015. Collection method: clinical testing. Allele origin: germline.
Comment: Variant summary: ATP8B1 c.2844delC (p.Cys948X) results in a premature termination codon, predicted to cause a truncation of the encoded protein or absence of the protein due to nonsense mediated decay, which are commonly known mechanisms for disease. Variants downstream of this position have been classified as pathogenic in ClinVar. The variant allele was found at a frequency of 4e-06 in 251482 control chromosomes (gnomAD). c.2844delC has been reported in the literature in an individual affected with Familial Intrahepatic Cholestasis (example: van Wessel_2021). The following publication has been ascertained in the context of this evaluation (PMID: 33666275). One submitter has cited clinical-significance assessments for this variant to ClinVar after 2014 and has classified the variant as uncertain significance. Based on the evidence outlined above, the variant was classified as pathogenic.

Literature cited by the submitters: PubMed 33666275 (cited by Genomenon, Inc and Women's Health and Genetics/Laboratory Corporation of America, LabCorp).

NM_001374385.1(ATP8B1):c.2844del (p.Met947_Cys948insTer)

Genes: ATP8B1 (ATPase phospholipid transporting 8B1; minus strand), ATP8B1-AS1 (ATP8B1 antisense RNA 1; plus strand). Cytogenetic location: 18q21.31.
Variant type: Deletion.
Coding change: c.2844del on transcript NM_001374385.1 (MANE Select); coding-DNA position 2844, one base deleted (C; older notation c.2844delC).
Protein change: p.Met947_Cys948insTer.
Molecular consequence: nonsense.
Genome position (GRCh38, 1-based): chr18:57,655,281, G deleted on the plus strand (C on the coding strand, the reverse complement: ATP8B1 is on the minus strand). VCF-style (leftmost placement, unchanged base first): chr18-57655280-TG-T. GRCh37 (hg19) VCF-style: chr18-55322512-TG-T.
Other names: c.2694del, p.Met897_Cys898insTer (NM_001374386.1); c.2844del, p.Met947_Cys948insTer (NM_005603.6).
Identifiers: ClinVar variation 631804 (VCV000631804.8), dbSNP rs752757689, ClinGen allele CA8974146.
Genomic context (GRCh38, chr18:57,655,280, plus strand): 5'-AGTACCAGAAATGAACCAAAGTAAAGGCAAAGTTTTTGTAAAAGAAGTATCGTAGGAACT[TG>T]CACATCCTTATGTAAGACCATCGGCCATGCACCAGCAGTAGCCTCTGCAGATATCGGAAC-3'